The following is an entry in ClinVar:

ClinVar aggregate classification (germline): Pathogenic/Likely pathogenic. Review status: criteria provided, multiple submitters, no conflicts (2 of 4 stars). 2 submissions from 2 submitters: Pathogenic (1); Likely pathogenic (1). Last evaluated 2016-02-12.

Conditions:
DYRK1A-related intellectual disability syndrome (MRD7). Also called: DYRK1A Syndrome; Intellectual developmental disorder, autosomal dominant 7. Identifiers: Orphanet 464306, MedGen C5568143, MONDO:0013578, OMIM 614104.

Submissions (2):

GeneDx
Classification: Pathogenic. Last evaluated: 2016-02-12. Review status: criteria provided, single submitter. Criteria: GeneDx Variant Classification (06012015). Collection method: clinical testing. Allele origin: germline. Affected: yes.
Comment: The L295F pathogenic variant in the DYRK1A gene has been reported previously as an assumed de novo variant in an individual with congenital microcephaly, feeding difficulties, short stature, dysmorphic features, mild global developmental delay including severe speech delay, skeletal anomalies, blepharophimosis, abnormal gait, hand stereotypies, and duodenal atresia (Ji et al., 2015). The L295F variant was not observed in approximately 6500 individuals of European and African American ancestry in the NHLBI Exome Sequencing Project, indicating it is not a common benign variant in these populations. The L295F variant is a conservative amino acid substitution, which occurs at a position that is conserved across species. In silico analysis predicts this variant is probably damaging to the protein structure/function. We interpret L295F as a pathogenic variant.

UCLA Clinical Genomics Center, UCLA
Classification: Likely pathogenic for Mental retardation, autosomal dominant 7. Last evaluated: 2014-09-15. Review status: criteria provided, single submitter. Criteria: Submitter's publication. Collection method: clinical testing. Allele origin: de novo. Inheritance: Autosomal dominant inheritance. Affected: yes. Study: DYRK1A Haploinsufficiency Syndrome.

NM_001347721.2(DYRK1A):c.856C>T (p.Leu286Phe)

Gene: DYRK1A (dual specificity tyrosine phosphorylation regulated kinase 1A; plus strand). Cytogenetic location: 21q22.13.
Variant type: single nucleotide variant.
Coding change: c.856C>T on transcript NM_001347721.2 (MANE Select); coding-DNA position 856, C replaced by T.
Protein change: p.Leu286Phe; replaces leucine 286 with phenylalanine.
Molecular consequence: missense variant.
Genome position (GRCh38, 1-based): chr21:37,490,393, C>T. VCF-style: chr21-37490393-C-T. GRCh37 (hg19) VCF-style: chr21-38862695-C-T.
Other names: c.856C>T, p.Leu286Phe (NM_001347722.2, NM_130436.2); c.769C>T, p.Leu257Phe (NM_001347723.2); c.883C>T, p.Leu295Phe (NM_001396.5, NM_101395.2, NM_130438.2); short protein forms L295F, L257F, L286F.
Identifiers: ClinVar variation 204011 (VCV000204011.4), dbSNP rs797044526, ClinGen allele CA278535.